The following is an entry in ClinVar:

NM_012268.4(PLD3):c.199C>T (p.Leu67Phe)

Gene: PLD3 (phospholipase D family member 3; plus strand). Cytogenetic location: 19q13.2.
Variant type: single nucleotide variant.
Coding change: c.199C>T on transcript NM_012268.4 (MANE Select); coding-DNA position 199, C replaced by T.
Protein change: p.Leu67Phe; replaces leucine 67 with phenylalanine.
Molecular consequence: missense variant.
Genome position (GRCh38, 1-based): chr19:40,366,869, C>T. VCF-style: chr19-40366869-C-T. GRCh37 (hg19) VCF-style: chr19-40872776-C-T.
Other names: c.199C>T, p.Leu67Phe (NM_001031696.4, NM_001291311.2); short protein forms L67F.
Identifiers: ClinVar variation 2782185 (VCV002782185.3), dbSNP rs778221354, ClinGen allele CA9442610.

ClinVar aggregate classification (germline): Uncertain significance (1 of 4 stars; one submission).

Allele frequency attached by ClinVar (database versions not stated): ExAC 0.00001; gnomAD 0.00001.
gnomAD v4.1: 11 of 1,613,754 alleles (0.00068%); highest among the groups gnomAD compares: Middle Eastern, 0.016%; no homozygotes.

Submission:

Labcorp Genetics (formerly Invitae), Labcorp
Classification: Uncertain significance. Last evaluated: 2024-03-23. Review status: criteria provided, single submitter. Criteria: Invitae Variant Classification Sherloc (09022015). Collection method: clinical testing. Allele origin: germline.
Comment: This sequence change replaces leucine, which is neutral and non-polar, with phenylalanine, which is neutral and non-polar, at codon 67 of the PLD3 protein (p.Leu67Phe). This variant is present in population databases (rs778221354, gnomAD 0.0009%). This variant has not been reported in the literature in individuals affected with PLD3-related conditions. An algorithm developed to predict the effect of missense changes on protein structure and function (PolyPhen-2) suggests that this variant is likely to be tolerated. In summary, the available evidence is currently insufficient to determine the role of this variant in disease. Therefore, it has been classified as a Variant of Uncertain Significance.